The following is an entry in ClinVar:

ClinVar aggregate classification (germline): Uncertain significance (1 of 4 stars; one submission).

Conditions:
Distal myopathy with posterior leg and anterior hand involvement. Also called: WILLIAMS DISTAL MYOPATHY. Identifiers: Orphanet 63273, MedGen C3279722, MONDO:0013550, OMIM 614065.
Myofibrillar myopathy 5. Also called: Filaminopathy (type); FILAMINOPATHY, AUTOSOMAL DOMINANT. Identifiers: Orphanet 171445, MedGen C1836050, MONDO:0012289, OMIM 609524.
Dilated Cardiomyopathy, Dominant.
Hypertrophic cardiomyopathy 26. Also called: Cardiomyopathy, familial hypertrophic, 26. Identifiers: Orphanet 75249, MedGen C4310749, MONDO:0014883, OMIM 617047.

Submission:

Labcorp Genetics (formerly Invitae), Labcorp
Classification: Uncertain significance for Distal myopathy with posterior leg and anterior hand involvement; Myofibrillar myopathy 5; Hypertrophic cardiomyopathy 26. Last evaluated: 2022-03-18. Review status: criteria provided, single submitter. Criteria: Invitae Variant Classification Sherloc (09022015). Collection method: clinical testing. Allele origin: germline.
Comment: This sequence change replaces glycine, which is neutral and non-polar, with serine, which is neutral and polar, at codon 605 of the FLNC protein (p.Gly605Ser). This variant also falls at the last nucleotide of exon 11, which is part of the consensus splice site for this exon. This variant is not present in population databases (gnomAD no frequency). This variant has not been reported in the literature in individuals affected with FLNC-related conditions. ClinVar contains an entry for this variant (Variation ID: 570069). Algorithms developed to predict the effect of missense changes on protein structure and function are either unavailable or do not agree on the potential impact of this missense change (SIFT: "Tolerated"; PolyPhen-2: "Probably Damaging"; Align-GVGD: "Class C0"). Variants that disrupt the consensus splice site are a relatively common cause of aberrant splicing (PMID: 17576681, 9536098). Algorithms developed to predict the effect of sequence changes on RNA splicing suggest that this variant may create or strengthen a splice site. In summary, the available evidence is currently insufficient to determine the role of this variant in disease. Therefore, it has been classified as a Variant of Uncertain Significance.

Literature cited by the submitters: PubMed 17576681; PubMed 9536098.

NM_001458.5(FLNC):c.1813G>A (p.Gly605Ser)

Gene: FLNC (filamin C; plus strand). Cytogenetic location: 7q32.1.
Variant type: single nucleotide variant.
Coding change: c.1813G>A on transcript NM_001458.5 (MANE Select); coding-DNA position 1813, G replaced by A.
Protein change: p.Gly605Ser; replaces glycine 605 with serine.
Molecular consequence: missense variant.
Genome position (GRCh38, 1-based): chr7:128,840,970, G>A. VCF-style: chr7-128840970-G-A. GRCh37 (hg19) VCF-style: chr7-128481024-G-A.
Other names: c.1813G>A, p.Gly605Ser (NM_001127487.2); short protein forms G605S.
Identifiers: ClinVar variation 570069 (VCV000570069.6), dbSNP rs1562994122, ClinGen allele CA369227120.
Genomic context (GRCh38, chr7:128,840,970, plus strand): 5'-CAGGTGGGCAAGTCAGCCGATTTTGTGGTGGAAGCCATTGGCACCGAGGTGGGGACACTG[G>A]GTAAGTGGCTGGGGGGCAGGAGGAGGGAGTGCTGCGGGGGAGGGCAGCAGGGGACACTGT-3'
Protein context (NP_001449.3, residues 595-615): EAIGTEVGTL[Gly605Ser]FSIEGPSQAK